The following is an entry in ClinVar:

ClinVar aggregate classification (germline): Uncertain significance (1 of 4 stars; one submission).

Allele frequency attached by ClinVar (database versions not stated): gnomAD exomes below 0.00001.
gnomAD v4.1: 1 of 1,613,422 alleles (0.000062%); highest among the groups gnomAD compares: Non-Finnish European, 0.000085%; no homozygotes.

Submission:

Labcorp Genetics (formerly Invitae), Labcorp
Classification: Uncertain significance. Last evaluated: 2022-10-07. Review status: criteria provided, single submitter. Criteria: Invitae Variant Classification Sherloc (09022015). Collection method: clinical testing. Allele origin: germline.
Comment: In summary, the available evidence is currently insufficient to determine the role of this variant in disease. Therefore, it has been classified as a Variant of Uncertain Significance. Advanced modeling of protein sequence and biophysical properties (such as structural, functional, and spatial information, amino acid conservation, physicochemical variation, residue mobility, and thermodynamic stability) performed at Invitae indicates that this missense variant is not expected to disrupt RBBP8 protein function. This variant has not been reported in the literature in individuals affected with RBBP8-related conditions. This variant is not present in population databases (gnomAD no frequency). This sequence change replaces proline, which is neutral and non-polar, with serine, which is neutral and polar, at codon 569 of the RBBP8 protein (p.Pro569Ser).

NM_002894.3(RBBP8):c.1705C>T (p.Pro569Ser)

Gene: RBBP8 (RB binding protein 8, endonuclease; plus strand). Cytogenetic location: 18q11.2.
Variant type: single nucleotide variant.
Coding change: c.1705C>T on transcript NM_002894.3 (MANE Select); coding-DNA position 1705, C replaced by T.
Protein change: p.Pro569Ser; replaces proline 569 with serine.
Molecular consequence: missense variant.
Genome position (GRCh38, 1-based): chr18:22,993,532, C>T. VCF-style: chr18-22993532-C-T. GRCh37 (hg19) VCF-style: chr18-20573495-C-T.
Other names: c.1705C>T, p.Pro569Ser (NM_203291.2, NM_203292.2); short protein forms P569S.
Identifiers: ClinVar variation 2127871 (VCV002127871.4), dbSNP rs2510789113, ClinGen allele CA401778924.
Genomic context (GRCh38, chr18:22,993,532, plus strand): 5'-TCCCCAGGGGAGCCCTGTTCACAGGAATGCATCATCCTTCAGCCCTTGAATAAATGCTCT[C>T]CAGACAATAAACCATCATTACAAATAAAAGAAGAAAATGCTGTCTTTAAAATTCCTCTAC-3'
Protein context (NP_002885.1, residues 559-579): IILQPLNKCS[Pro569Ser]DNKPSLQIKE